The following is an entry in ClinVar:

NM_000059.4(BRCA2):c.9395_9405delinsCTTTATTTG (p.Lys3132fs)

Gene: BRCA2 (BRCA2 DNA repair associated; plus strand). Cytogenetic location: 13q13.1.
Variant type: Indel.
Coding change: c.9395_9405delinsCTTTATTTG on transcript NM_000059.4 (MANE Select); coding-DNA positions 9395 to 9405, AATCAGGCCTT replaced by CTTTATTTG.
Protein change: p.Lys3132fs; shifts the reading frame from lysine 3132.
Molecular consequence: frameshift variant.
Genome position (GRCh38, 1-based): chr13:32,394,827-32,394,837, AATCAGGCCTT replaced by CTTTATTTG. VCF-style: chr13-32394827-AATCAGGCCTT-CTTTATTTG. GRCh37 (hg19) VCF-style: chr13-32968964-AATCAGGCCTT-CTTTATTTG.
Other names: c.9299_9309delAATCAGGCCTTinsCTTTATTTG, p.Lys3100Thrfs (NM_001406719.1); c.9344_9354delAATCAGGCCTTinsCTTTATTTG, p.Lys3115Thrfs (NM_001406720.1); c.4463_4473delAATCAGGCCTTinsCTTTATTTG, p.Lys1488Thrfs (NM_001406721.1); c.2978_2988delAATCAGGCCTTinsCTTTATTTG, p.Lys993Thrfs (NM_001406722.1); c.9395_9405del11insCTTTATTTG (NM_000059.3); short protein forms K3132fs.
Identifiers: ClinVar variation 1766777 (VCV001766777.2), dbSNP rs2548562319, ClinGen allele CA2580087362.

ClinVar aggregate classification (germline): Pathogenic (1 of 4 stars; one submission).

Conditions:
Hereditary cancer-predisposing syndrome. Also called: Hereditary Cancer Syndrome; Hereditary neoplastic syndrome; Neoplastic Syndromes, Hereditary; Tumor predisposition. Identifiers: Orphanet 140162, MedGen C0027672, MeSH D009386, MONDO:0015356.

Submission:

Ambry Genetics
Classification: Pathogenic for Hereditary cancer-predisposing syndrome. Last evaluated: 2020-04-14. Review status: criteria provided, single submitter. Criteria: Ambry Variant Classification Scheme 2023. Collection method: clinical testing. Allele origin: germline.
Comment: The c.9395_9405del11insCTTTATTTG pathogenic mutation, located in coding exon 24 of the BRCA2 gene, results from the deletion of 11 nucleotides and insertion of 9 nucleotides causing a translational frameshift with a predicted alternate stop codon (p.K3132Tfs*17). This alteration is expected to result in loss of function by premature protein truncation or nonsense-mediated mRNA decay. As such, this alteration is interpreted as a disease-causing mutation.